The following is an entry in ClinVar:

NM_001369369.1(FOXN1):c.1391del (p.Pro464fs)

Gene: FOXN1 (forkhead box N1; plus strand). Cytogenetic location: 17q11.2.
Variant type: Deletion.
Coding change: c.1391del on transcript NM_001369369.1 (MANE Select); coding-DNA position 1391, one base deleted (C; older notation c.1391delC).
Protein change: p.Pro464fs; shifts the reading frame from proline 464.
Molecular consequence: frameshift variant.
Genome position (GRCh38, 1-based): chr17:28,534,962, C deleted; the last of 4 consecutive C bases (chr17:28,534,959-28,534,962); deleting any one gives the same sequence. VCF-style (leftmost placement, unchanged base first): chr17-28534958-GC-G. GRCh37 (hg19) VCF-style: chr17-26861976-GC-G.
Other names: c.1391del, p.Pro464fs (NM_003593.3); short protein forms P464fs.
Identifiers: ClinVar variation 4714044 (VCV004714044.1).
Genomic context (GRCh38, chr17:28,534,958, plus strand): 5'-CTTATGGGGCACACACCCTCCTGCTATGGGCAGACATACTTGCACCTCTCACCAGGCCTG[GC>G]CCCTCCTGGACCCCCGCAGCCATTGTTCCCACAGCCGGACGGGCACCTTGAGCTGCGGGC-3'

ClinVar aggregate classification (germline): Pathogenic (1 of 4 stars; one submission).

Conditions:
T-cell immunodeficiency, congenital alopecia, and nail dystrophy. Also called: Congenital alopecia and nail dystrophy associated with severe functional T-cell immunodeficiency; Pignata Guarino syndrome. Identifiers: Orphanet 169095, MedGen C1866426, MONDO:0011132, OMIM 601705.

Submission:

Labcorp Genetics (formerly Invitae), Labcorp
Classification: Pathogenic for T-cell immunodeficiency, congenital alopecia, and nail dystrophy. Last evaluated: 2025-02-27. Review status: criteria provided, single submitter. Criteria: Invitae Variant Classification Sherloc (09022015). Collection method: clinical testing. Allele origin: germline.
Comment: This sequence change creates a premature translational stop signal (p.Pro464Leufs*86) in the FOXN1 gene. While this is not anticipated to result in nonsense mediated decay, it is expected to disrupt the last 185 amino acid(s) of the FOXN1 protein. This variant is not present in population databases (gnomAD no frequency). This variant has not been reported in the literature in individuals affected with FOXN1-related conditions. This variant disrupts a region of the FOXN1 protein in which other variant(s) (p.Gln489Argfs*61) have been determined to be pathogenic (PMID: 31566583; internal data). This suggests that this is a clinically significant region of the protein, and that variants that disrupt it are likely to be disease-causing. For these reasons, this variant has been classified as Pathogenic.

Literature cited by the submitters: PubMed 31566583.